The following is an entry in ClinVar:

NM_001083962.2(TCF4):c.823T>G (p.Ser275Ala)

Genes: TCF4 (transcription factor 4; minus strand), LOC126862757 (CDK7 strongly-dependent group 2 enhancer GRCh37_chr18:52936433-52937632; plus strand). Cytogenetic location: 18q21.2.
Variant type: single nucleotide variant.
Coding change: c.823T>G on transcript NM_001083962.2 (MANE Select); coding-DNA position 823, T replaced by G.
Protein change: p.Ser275Ala; replaces serine 275 with alanine.
Molecular consequence: missense variant.
Genome position (GRCh38, 1-based): chr18:55,269,930, A>C on the plus strand (T>G on the coding strand, the complement: TCF4 is on the minus strand). VCF-style: chr18-55269930-A-C. GRCh37 (hg19) VCF-style: chr18-52937161-A-C.
Other names: c.1129T>G, p.Ser377Ala (NM_001243226.3); c.751T>G, p.Ser251Ala (NM_001243227.2, NM_001348217.1, NM_001348218.2 and 9 more transcripts); c.841T>G, p.Ser281Ala (NM_001243228.2); c.817T>G, p.Ser273Ala (NM_001243230.2); c.697T>G, p.Ser233Ala (NM_001243231.2, NM_001348211.2); c.610T>G, p.Ser204Ala (NM_001243232.1, NM_001306208.1); c.433T>G, p.Ser145Ala (NM_001243233.2, NM_001330605.3, NM_001348212.2 and 1 more transcripts); c.343T>G, p.Ser115Ala (NM_001243234.2, NM_001243235.2, NM_001243236.2 and 2 more transcripts); and 4 more; short protein forms S115A, S145A, S251A, S275A, S281A, S274A, S377A, S59A.
Identifiers: ClinVar variation 862397 (VCV000862397.10), dbSNP rs2059990078, ClinGen allele CA402701296.
Genomic context (GRCh38, chr18:55,269,930, plus strand): 5'-AAGAGGTGCTGTAATGGTTTGTACCACTACGATGGAAAGTGGACATCGGAGGAAGACTGG[A>C]ATTGATGTCTGCTGAGGAGTGTGATGGATAGCTCTATAGCAAGAAGCAGAAAAAGGTGGC-3'
Protein context (NP_001077431.1, residues 265-285): YPSHSSADIN[Ser275Ala]SLPPMSTFHR

ClinVar aggregate classification (germline): Uncertain significance (1 of 4 stars; one submission).

Conditions:
Pitt-Hopkins syndrome (PTHS). Also called: MENTAL RETARDATION, SYNDROMAL, WITH INTERMITTENT HYPERVENTILATION; ENCEPHALOPATHY, SEVERE EPILEPTIC, WITH AUTONOMIC DYSFUNCTION. Identifiers: Orphanet 2896, MedGen C1970431, MONDO:0012589, OMIM 610954.

Submission:

Labcorp Genetics (formerly Invitae), Labcorp
Classification: Uncertain significance for Pitt-Hopkins syndrome. Last evaluated: 2019-04-03. Review status: criteria provided, single submitter. Criteria: Invitae Variant Classification Sherloc (09022015). Collection method: clinical testing. Allele origin: germline.
Comment: This sequence change replaces serine with alanine at codon 275 of the TCF4 protein (p.Ser275Ala). The serine residue is highly conserved and there is a moderate physicochemical difference between serine and alanine. This variant is not present in population databases (ExAC no frequency). This variant has not been reported in the literature in individuals with TCF4-related conditions. Algorithms developed to predict the effect of missense changes on protein structure and function (SIFT, PolyPhen-2, Align-GVGD) all suggest that this variant is likely to be tolerated, but these predictions have not been confirmed by published functional studies and their clinical significance is uncertain. In summary, the available evidence is currently insufficient to determine the role of this variant in disease. Therefore, it has been classified as a Variant of Uncertain Significance.